The following is an entry in ClinVar:

ClinVar aggregate classification (germline): Uncertain significance (1 of 4 stars; one submission).

Submission:

GeneDx
Classification: Uncertain significance. Last evaluated: 2024-05-14. Review status: criteria provided, single submitter. Criteria: GeneDx Variant Classification Process June 2021. Collection method: clinical testing. Allele origin: germline. Affected: yes.
Comment: Not observed at significant frequency in large population cohorts (gnomAD); In silico analysis indicates that this missense variant does not alter protein structure/function; Has not been previously published as pathogenic or benign to our knowledge

NM_006767.4(LZTR1):c.2271G>C (p.Gln757His)

Gene: LZTR1 (leucine zipper like post translational regulator 1; plus strand). Cytogenetic location: 22q11.21.
Variant type: single nucleotide variant.
Coding change: c.2271G>C on transcript NM_006767.4 (MANE Select); coding-DNA position 2271, G replaced by C.
Protein change: p.Gln757His; replaces glutamine 757 with histidine.
Molecular consequence: missense variant.
Genome position (GRCh38, 1-based): chr22:20,996,747, G>C. VCF-style: chr22-20996747-G-C. GRCh37 (hg19) VCF-style: chr22-21351036-G-C.
Other names: short protein forms Q757H.
Identifiers: ClinVar variation 3378364 (VCV003378364.1).